The following is an entry in ClinVar:

NM_199420.4(POLQ):c.6413T>C (p.Phe2138Ser)

Gene: POLQ (DNA polymerase theta; minus strand). Cytogenetic location: 3q13.33.
Variant type: single nucleotide variant.
Coding change: c.6413T>C on transcript NM_199420.4 (MANE Select); coding-DNA position 6413, T replaced by C.
Protein change: p.Phe2138Ser; replaces phenylalanine 2138 with serine.
Molecular consequence: missense variant.
Genome position (GRCh38, 1-based): chr3:121,473,480, A>G on the plus strand (T>C on the coding strand, the complement: POLQ is on the minus strand). VCF-style: chr3-121473480-A-G. GRCh37 (hg19) VCF-style: chr3-121192327-A-G.
Other names: short protein forms F2138S.
Identifiers: ClinVar variation 3230103 (VCV003230103.1), dbSNP rs2546774724, ClinGen allele CA354086238.

ClinVar aggregate classification (germline): Uncertain significance (1 of 4 stars; one submission).

Submission:

Ambry Genetics
Classification: Uncertain significance. Last evaluated: 2023-10-01. Review status: criteria provided, single submitter. Criteria: Ambry Variant Classification Scheme 2023. Collection method: clinical testing. Allele origin: germline.
Comment: The p.F2138S variant (also known as c.6413T>C), located in coding exon 21 of the POLQ gene, results from a T to C substitution at nucleotide position 6413. The phenylalanine at codon 2138 is replaced by serine, an amino acid with highly dissimilar properties. This amino acid position is conserved. In addition, this alteration is predicted to be deleterious by in silico analysis. Since supporting evidence is limited at this time, the clinical significance of this alteration remains unclear.